The following is an entry in ClinVar:

ClinVar aggregate classification (germline): Benign/Likely benign. Review status: criteria provided, multiple submitters, no conflicts (2 of 4 stars). 2 submissions from 2 submitters: Benign (1); Likely benign (1). Last evaluated 2025-11-15.

Conditions:
Ehlers-Danlos syndrome, classic type, 1 (EDSCL1). Also called: EDS I; EHLERS-DANLOS SYNDROME, GRAVIS TYPE; EHLERS-DANLOS SYNDROME, SEVERE CLASSIC TYPE; Ehlers-Danlos Syndrome, Classic Type, COL5A1-Related; Ehlers-Danlos syndrome, type 1. Identifiers: MedGen C0268335, MONDO:0019567, OMIM 130000.

Allele frequency attached by ClinVar (database versions not stated): ESP Exome Variant Server 0.00046; TOPMed 0.00020.
gnomAD v4.1: 58 of 1,587,820 alleles (0.0037%); highest among the groups gnomAD compares: African/African-American, 0.07%; no homozygotes.

Submissions (2):

Labcorp Genetics (formerly Invitae), Labcorp
Classification: Benign for Ehlers-Danlos syndrome, classic type, 1. Last evaluated: 2025-11-15. Review status: criteria provided, single submitter. Criteria: Invitae Variant Classification Sherloc (09022015). Collection method: clinical testing. Allele origin: germline.

GeneDx
Classification: Likely benign. Last evaluated: 2018-05-04. Review status: criteria provided, single submitter. Criteria: GeneDx Variant Classification (06012015). Collection method: clinical testing. Allele origin: germline. Affected: yes.
Comment: This variant is considered likely benign or benign based on one or more of the following criteria: it is a conservative change, it occurs at a poorly conserved position in the protein, it is predicted to be benign by multiple in silico algorithms, and/or has population frequency not consistent with disease.

NM_000093.5(COL5A1):c.2484+14G>A

Gene: COL5A1 (collagen type V alpha 1 chain; plus strand). Cytogenetic location: 9q34.3.
Variant type: single nucleotide variant.
Coding change: c.2484+14G>A on transcript NM_000093.5 (MANE Select); 14 bases into the intron after coding-DNA position 2484, G replaced by A.
Molecular consequence: intron variant.
Genome position (GRCh38, 1-based): chr9:134,782,734, G>A. VCF-style: chr9-134782734-G-A. GRCh37 (hg19) VCF-style: chr9-137674580-G-A.
Other names: c.2484+14G>A (NM_001278074.1).
Identifiers: ClinVar variation 682606 (VCV000682606.6), dbSNP rs371753763, ClinGen allele CA5319377.